The following is an entry in ClinVar:

ClinVar aggregate classification (germline): Likely pathogenic (1 of 4 stars; one submission).

Conditions:
Stargardt disease (FFM). Also called: Fundus flavimaculatus; Stargardt's disease. Identifiers: Orphanet 827, MedGen C0271093, MONDO:0019353.

Submission:

Institute of Medical Genetics and Applied Genomics, University Hospital Tübingen
Classification: Likely pathogenic for Stargardt disease. Last evaluated: 2022-03-01. Review status: criteria provided, single submitter. Criteria: ACMG Guidelines, 2015. Collection method: clinical testing. Allele origin: germline. Inheritance: Autosomal recessive inheritance. Affected: yes.
Comment: in combimation with p.Ser1099Pro and p.Asn1868Ile

NM_000350.3(ABCA4):c.1555-2A>C

Gene: ABCA4 (ATP binding cassette subfamily A member 4; minus strand). Cytogenetic location: 1p22.1.
Variant type: single nucleotide variant.
Coding change: c.1555-2A>C on transcript NM_000350.3 (MANE Select); the canonical splice acceptor site of the intron before coding-DNA position 1555, A replaced by C.
Molecular consequence: splice acceptor variant.
Genome position (GRCh38, 1-based): chr1:94,063,319, T>G on the plus strand (A>C on the coding strand, the complement: ABCA4 is on the minus strand). VCF-style: chr1-94063319-T-G. GRCh37 (hg19) VCF-style: chr1-94528875-T-G.
Identifiers: ClinVar variation 1342703 (VCV001342703.1), dbSNP rs2101079462, ClinGen allele CA341280680.